The following is an entry in ClinVar:

ClinVar aggregate classification (germline): Likely pathogenic. Review status: criteria provided, multiple submitters, no conflicts (2 of 4 stars). 4 submissions from 4 submitters: Likely pathogenic (4). Last evaluated 2025-12-18.

Conditions:
Fish-eye disease (FED). Also called: LCATA DEFICIENCY; ALPHA-LCAT DEFICIENCY; DYSLIPOPROTEINEMIC CORNEAL DYSTROPHY. Identifiers: Orphanet 650, Orphanet 79292, MedGen C0342895, MONDO:0007620, OMIM 136120.
Norum disease. Also called: Familial lecithin cholesterol acyltransferase deficiency. Identifiers: Orphanet 79293, MedGen C0023195, MONDO:0009515, OMIM 245900.
LCAT deficiency. Also called: Lecithin Acyltransferase Deficiency. Identifiers: Orphanet 650, Orphanet 79293, MedGen C5779633, MONDO:0018999.

Allele frequency attached by ClinVar (database versions not stated): gnomAD exomes 0.00001 and 0.00002; ExAC 0.00002; gnomAD 0.00002 and 0.00003; TOPMed 0.00003; ESP Exome Variant Server 0.00008.
gnomAD v4.1: 29 of 1,613,786 alleles (0.0018%); highest among the groups gnomAD compares: Non-Finnish European, 0.0021%; no homozygotes.

Submissions (4):

Genetics Department, Catlab
Classification: Likely pathogenic for Fish-eye disease. Last evaluated: 2025-12-18. Review status: criteria provided, single submitter. Criteria: ACMG Guidelines, 2015. Collection method: clinical testing. Allele origin: germline. Affected: yes.
Comment: The c.367C>T missense variant changes an arginine for a cysteine at position 123 of the protein. This change has been previously found in trans with a nonsense pathogenic variant in a patient with low HDL levels (PMID: 22701329) and in homozygous state in a Fish-eye patient (PMID: 9261271) (PM3_moderate). The change has a low frequency in gnomAD v4.1 (AF=0.00001797) (PM2_moderate) and a REVEL score of 0.93 (PP3_moderate). With all the available evidence, the variant is classified as likely pathogenic.

Genomic Medicine Center of Excellence, King Faisal Specialist Hospital and Research Centre
Classification: Likely pathogenic for Norum disease. Last evaluated: 2024-12-19. Review status: criteria provided, single submitter. Criteria: ACMG Guidelines, 2015. Collection method: clinical testing. Allele origin: germline.

Fulgent Genetics
Classification: Likely pathogenic for Fish-eye disease; Norum disease. Last evaluated: 2021-10-06. Review status: criteria provided, single submitter. Criteria: ACMG Guidelines, 2015. Collection method: clinical testing. Allele origin: unknown.

Illumina Laboratory Services, Illumina
Classification: Likely pathogenic for Norum disease. Last evaluated: 2017-08-22. Review status: criteria provided, single submitter. Criteria: ICSL Variant Classification Criteria 09 May 2019. Collection method: clinical testing. Allele origin: germline.
Comment: The LCAT c.367C>T (p.Arg123Cys) missense variant has been reported in at least two studies in which it is found in two individuals with very low plasma HDL-C diagnosed with fish eye disease caused by partial lecithin cholesterol acyltransferase deficiency, including in one in a homozygous state and in the second individual in a compound heterozygous state in trans with a stop-gained variant (Blanco-Vaca et al. 1997; Savel et al. 2012). The p.Arg123Cys variant is also found in a heterozygous state in three family members of the homozygote, all of whom have low plasma HDL-C but no corneal opacity. The p.Arg123Cys variant was absent from one control and is reported at a frequency of 0.00012 in the European American population of the Exome Sequencing Project but this is based on one allele in a region of good sequence coverage so the variant is presumed to be rare. Expression in COS-6 cells revealed that the mass of p.Arg99Cys LCAT found in the media was 48% of the wild type LCAT and the percentage of specific activity present in p.Arg99Cys LCAT was approximately the same for both LDL and R-HDL substrates (6.8% and 6.9% of that of the wild type, respectively) (Blanco-Vaca et al. (1997). Based on the collective evidence, the p.Arg123Cys variant is classified as likely pathogenic for lecithin cholesterol acyltransferase deficiency. This variant was observed by ICSL as part of a predisposition screen in an ostensibly healthy population.

Literature cited by the submitters: PubMed 22701329 (cited by Genetics Department, Catlab and Illumina Laboratory Services, Illumina); PubMed 9261271 (cited by Illumina Laboratory Services, Illumina).

NM_000229.2(LCAT):c.367C>T (p.Arg123Cys)

Gene: LCAT (lecithin-cholesterol acyltransferase; minus strand). Cytogenetic location: 16q22.1.
Variant type: single nucleotide variant.
Coding change: c.367C>T on transcript NM_000229.2 (MANE Select); coding-DNA position 367, C replaced by T.
Protein change: p.Arg123Cys; replaces arginine 123 with cysteine.
Molecular consequence: missense variant.
Genome position (GRCh38, 1-based): chr16:67,942,921, G>A on the plus strand (C>T on the coding strand, the complement: LCAT is on the minus strand). VCF-style: chr16-67942921-G-A. GRCh37 (hg19) VCF-style: chr16-67976824-G-A.
Other names: short protein forms R123C.
Identifiers: ClinVar variation 632262 (VCV000632262.7), dbSNP rs140068549, ClinGen allele CA8121100.